The following is an entry in ClinVar:

ClinVar aggregate classification (germline): Uncertain significance. Review status: criteria provided, single submitter (1 of 4 stars). 2 submissions from 2 submitters: Uncertain significance (1). 1 of the submissions does not count toward it. Last evaluated 2022-10-13.

Conditions:
TUB-related disorder. Also called: TUB-related condition.

Allele frequency attached by ClinVar (database versions not stated): gnomAD 0.00001; gnomAD exomes 0.00001 and 0.00002; ExAC 0.00002; TOPMed 0.00002.
gnomAD v4.1: 9 of 1,614,050 alleles (0.00056%); highest among the groups gnomAD compares: Admixed American, 0.0067%; no homozygotes.

Submissions (2):

Labcorp Genetics (formerly Invitae), Labcorp
Classification: Uncertain significance. Last evaluated: 2022-10-13. Review status: criteria provided, single submitter. Criteria: Invitae Variant Classification Sherloc (09022015). Collection method: clinical testing. Allele origin: germline.
Comment: In summary, the available evidence is currently insufficient to determine the role of this variant in disease. Therefore, it has been classified as a Variant of Uncertain Significance. Algorithms developed to predict the effect of missense changes on protein structure and function (SIFT, PolyPhen-2, Align-GVGD) all suggest that this variant is likely to be tolerated. ClinVar contains an entry for this variant (Variation ID: 1471498). This variant has not been reported in the literature in individuals affected with TUB-related conditions. This variant is present in population databases (rs780925311, gnomAD 0.01%). This sequence change replaces proline, which is neutral and non-polar, with leucine, which is neutral and non-polar, at codon 295 of the TUB protein (p.Pro295Leu).

PreventionGenetics, part of Exact Sciences
Classification: Uncertain significance for TUB-related condition. Last evaluated: 2024-03-25. Review status: no assertion criteria provided. Collection method: clinical testing. Allele origin: germline. Not counted in ClinVar's aggregate classification.
Comment: The TUB c.884C>T variant is predicted to result in the amino acid substitution p.Pro295Leu. To our knowledge, this variant has not been reported in the literature. This variant is reported in 0.012% of alleles in individuals of Latino descent in gnomAD. At this time, the clinical significance of this variant is uncertain due to the absence of conclusive functional and genetic evidence.

NM_177972.3(TUB):c.719C>T (p.Pro240Leu)

Genes: RIC3 (RIC3 acetylcholine receptor chaperone; minus strand), TUB (TUB bipartite transcription factor; plus strand). Cytogenetic location: 11p15.4.
Variant type: single nucleotide variant.
Coding change: c.719C>T on transcript NM_177972.3 (MANE Select); coding-DNA position 719, C replaced by T.
Protein change: p.Pro240Leu; replaces proline 240 with leucine.
Molecular consequence: missense variant.
Genome position (GRCh38, 1-based): chr11:8,097,259, C>T. VCF-style: chr11-8097259-C-T. GRCh37 (hg19) VCF-style: chr11-8118806-C-T.
Other names: c.884C>T (NM_003320.4); c.884C>T, p.Pro295Leu (NM_003320.5); short protein forms P295L, P240L.
Identifiers: ClinVar variation 1471498 (VCV001471498.10), dbSNP rs780925311, ClinGen allele CA5871220.